The following is an entry in ClinVar:

ClinVar aggregate classification (germline): Uncertain significance (1 of 4 stars; one submission).

Conditions:
Pitt-Hopkins-like syndrome 2 (PTHSL2). Identifiers: Orphanet 221150, Orphanet 600663, MedGen C3280479, MONDO:0013690, OMIM 614325.

Submission:

Labcorp Genetics (formerly Invitae), Labcorp
Classification: Uncertain significance for Pitt-Hopkins-like syndrome 2. Last evaluated: 2023-09-11. Review status: criteria provided, single submitter. Criteria: Invitae Variant Classification Sherloc (09022015). Collection method: clinical testing. Allele origin: germline.
Comment: This sequence change replaces isoleucine, which is neutral and non-polar, with phenylalanine, which is neutral and non-polar, at codon 1358 of the NRXN1 protein (p.Ile1358Phe). This variant is not present in population databases (gnomAD no frequency). This variant has not been reported in the literature in individuals affected with NRXN1-related conditions. ClinVar contains an entry for this variant (Variation ID: 1515970). Advanced modeling of protein sequence and biophysical properties (such as structural, functional, and spatial information, amino acid conservation, physicochemical variation, residue mobility, and thermodynamic stability) performed at Invitae indicates that this missense variant is not expected to disrupt NRXN1 protein function. In summary, the available evidence is currently insufficient to determine the role of this variant in disease. Therefore, it has been classified as a Variant of Uncertain Significance.

NM_001330078.2(NRXN1):c.3952A>T (p.Ile1318Phe)

Gene: NRXN1 (neurexin 1; minus strand). Cytogenetic location: 2p16.3.
Variant type: single nucleotide variant.
Coding change: c.3952A>T on transcript NM_001330078.2 (MANE Select); coding-DNA position 3952, A replaced by T.
Protein change: p.Ile1318Phe; replaces isoleucine 1318 with phenylalanine.
Molecular consequence: missense variant.
Genome position (GRCh38, 1-based): chr2:50,053,447, T>A on the plus strand (A>T on the coding strand, the complement: NRXN1 is on the minus strand). VCF-style: chr2-50053447-T-A. GRCh37 (hg19) VCF-style: chr2-50280585-T-A.
Other names: c.4072A>T, p.Ile1358Phe (NM_001135659.3); c.3928A>T, p.Ile1310Phe (NM_001330077.2, NM_001330082.2); c.3796A>T, p.Ile1266Phe (NM_001330083.2); c.3886A>T, p.Ile1296Phe (NM_001330084.2); c.3925A>T, p.Ile1309Phe (NM_001330085.2); c.3952A>T, p.Ile1318Phe (NM_001330086.2); c.3751A>T, p.Ile1251Phe (NM_001330087.2, NM_001330096.2); c.3781A>T, p.Ile1261Phe (NM_001330088.2); and 6 more; short protein forms I1261F, I1310F, I1314F, I283F, I1251F, I1271F, I1317F, I1358F.
Identifiers: ClinVar variation 1515970 (VCV001515970.6), dbSNP rs1407260529, ClinGen allele CA346819694.